The following is an entry in ClinVar:

NM_000639.3(FASLG):c.598C>A (p.Gln200Lys)

Gene: FASLG (Fas ligand; plus strand). Cytogenetic location: 1q24.3.
Variant type: single nucleotide variant.
Coding change: c.598C>A on transcript NM_000639.3 (MANE Select); coding-DNA position 598, C replaced by A.
Protein change: p.Gln200Lys; replaces glutamine 200 with lysine.
Molecular consequence: missense variant. On other transcripts: 3 prime UTR variant (1).
Genome position (GRCh38, 1-based): chr1:172,665,768, C>A. VCF-style: chr1-172665768-C-A. GRCh37 (hg19) VCF-style: chr1-172634908-C-A.
Other names: c.*168C>A (NM_001302746.2); short protein forms Q200K.
Identifiers: ClinVar variation 1468713 (VCV001468713.7), dbSNP rs2101810632, ClinGen allele CA343806199.
Genomic context (GRCh38, chr1:172,665,768, plus strand): 5'-GGCCTTGTGATCAATGAAACTGGGCTGTACTTTGTATATTCCAAAGTATACTTCCGGGGT[C>A]AATCTTGCAACAACCTGCCCCTGAGCCACAAGGTCTACATGAGGAACTCTAAGTATCCCC-3'
Protein context (NP_000630.1, residues 190-210): FVYSKVYFRG[Gln200Lys]SCNNLPLSHK

ClinVar aggregate classification (germline): Uncertain significance (1 of 4 stars; one submission).

Conditions:
Autoimmune lymphoproliferative syndrome type 1. Also called: AUTOIMMUNE LYMPHOPROLIFERATIVE SYNDROME, TYPE I, AUTOSOMAL DOMINANT. Identifiers: Orphanet 3261, MedGen C2717884, MONDO:0011158, OMIM 601859.

Submission:

Labcorp Genetics (formerly Invitae), Labcorp
Classification: Uncertain significance for Autoimmune lymphoproliferative syndrome. Last evaluated: 2021-05-07. Review status: criteria provided, single submitter. Criteria: Invitae Variant Classification Sherloc (09022015). Collection method: clinical testing. Allele origin: germline.
Comment: In summary, the available evidence is currently insufficient to determine the role of this variant in disease. Therefore, it has been classified as a Variant of Uncertain Significance. Algorithms developed to predict the effect of missense changes on protein structure and function (SIFT, PolyPhen-2, Align-GVGD) all suggest that this variant is likely to be tolerated, but these predictions have not been confirmed by published functional studies and their clinical significance is uncertain. This variant has not been reported in the literature in individuals with FASLG-related conditions. This variant is not present in population databases (ExAC no frequency). This sequence change replaces glutamine with lysine at codon 200 of the FASLG protein (p.Gln200Lys). The glutamine residue is moderately conserved and there is a small physicochemical difference between glutamine and lysine.